The following is an entry in ClinVar:

NM_021831.6(AGBL5):c.909-3C>T

Gene: AGBL5 (AGBL carboxypeptidase 5; plus strand). Cytogenetic location: 2p23.3.
Variant type: single nucleotide variant.
Coding change: c.909-3C>T on transcript NM_021831.6 (MANE Select); 3 bases into the intron before coding-DNA position 909, C replaced by T.
Molecular consequence: intron variant.
Genome position (GRCh38, 1-based): chr2:27,055,679, C>T. VCF-style: chr2-27055679-C-T. GRCh37 (hg19) VCF-style: chr2-27278547-C-T.
Other names: c.909-3C>T (NM_001035507.3).
Identifiers: ClinVar variation 936737 (VCV000936737.7), dbSNP rs772125178, ClinGen allele CA1567769.
Genomic context (GRCh38, chr2:27,055,679, plus strand): 5'-CACTAGTGTCTCCTTCACTGGCCCAGTCCTCTAGAACCTGCTTCAGTCCTTGTTTTCCTA[C>T]AGCACAGACTCACGTGGAGTGAATCTGAACCGTCAGTACCTGAAGCCTGATGCCGTCCTG-3'

ClinVar aggregate classification (germline): Uncertain significance. Review status: criteria provided, single submitter (1 of 4 stars). 2 submissions from 2 submitters: Uncertain significance (1). 1 of the submissions does not count toward it. Last evaluated 2024-10-16.

Conditions:
AGBL5-related disorder. Also called: AGBL5-related condition.

Allele frequency attached by ClinVar (database versions not stated): TOPMed below 0.00001; gnomAD 0.00001.
gnomAD v4.1: 39 of 1,609,290 alleles (0.0024%); highest among the groups gnomAD compares: Middle Eastern, 0.033%; no homozygotes.

Submissions (2):

Labcorp Genetics (formerly Invitae), Labcorp
Classification: Uncertain significance. Last evaluated: 2024-10-16. Review status: criteria provided, single submitter. Criteria: Invitae Variant Classification Sherloc (09022015). Collection method: clinical testing. Allele origin: germline.
Comment: This sequence change falls in intron 6 of the AGBL5 gene. It does not directly change the encoded amino acid sequence of the AGBL5 protein. It affects a nucleotide within the consensus splice site. This variant is present in population databases (rs772125178, gnomAD 0.005%). This variant has not been reported in the literature in individuals affected with AGBL5-related conditions. ClinVar contains an entry for this variant (Variation ID: 936737). Variants that disrupt the consensus splice site are a relatively common cause of aberrant splicing (PMID: 17576681, 9536098). Algorithms developed to predict the effect of sequence changes on RNA splicing suggest that this variant is not likely to affect RNA splicing. In summary, the available evidence is currently insufficient to determine the role of this variant in disease. Therefore, it has been classified as a Variant of Uncertain Significance.

PreventionGenetics, part of Exact Sciences
Classification: Benign for AGBL5-related condition. Last evaluated: 2019-04-15. Review status: no assertion criteria provided. Collection method: clinical testing. Allele origin: germline. Not counted in ClinVar's aggregate classification.
Comment: This variant is classified as benign based on ACMG/AMP sequence variant interpretation guidelines (Richards et al. 2015 PMID: 25741868, with internal and published modifications).

Literature cited by the submitters: PubMed 17576681 (cited by Labcorp Genetics (formerly Invitae), Labcorp); PubMed 9536098 (cited by Labcorp Genetics (formerly Invitae), Labcorp).